The following is an entry in ClinVar:

ClinVar aggregate classification (germline): Uncertain significance (1 of 4 stars; one submission).

Conditions:
RASopathy. Also called: Noonan spectrum disorder; rasopathies. Identifiers: Orphanet 536391, MedGen C5555857, MONDO:0021060.

Submission:

Labcorp Genetics (formerly Invitae), Labcorp
Classification: Uncertain significance for RASopathy. Last evaluated: 2021-02-21. Review status: criteria provided, single submitter. Criteria: Invitae Variant Classification Sherloc (09022015). Collection method: clinical testing. Allele origin: germline.
Comment: This sequence change replaces methionine with isoleucine at codon 119 of the CBL protein (p.Met119Ile). The methionine residue is highly conserved and there is a small physicochemical difference between methionine and isoleucine. This variant is not present in population databases (ExAC no frequency). This variant has not been reported in the literature in individuals with CBL-related conditions. Advanced modeling of protein sequence and biophysical properties (such as structural, functional, and spatial information, amino acid conservation, physicochemical variation, residue mobility, and thermodynamic stability) performed at Invitae indicates that this missense variant is not expected to disrupt CBL protein function. In summary, the available evidence is currently insufficient to determine the role of this variant in disease. Therefore, it has been classified as a Variant of Uncertain Significance.

NM_005188.4(CBL):c.357G>T (p.Met119Ile)

Gene: CBL (Cbl proto-oncogene; plus strand). Cytogenetic location: 11q23.3.
Variant type: single nucleotide variant.
Coding change: c.357G>T on transcript NM_005188.4 (MANE Select); coding-DNA position 357, G replaced by T.
Protein change: p.Met119Ile; replaces methionine 119 with isoleucine.
Molecular consequence: missense variant.
Genome position (GRCh38, 1-based): chr11:119,232,609, G>T. VCF-style: chr11-119232609-G-T. GRCh37 (hg19) VCF-style: chr11-119103319-G-T.
Other names: short protein forms M119I.
Identifiers: ClinVar variation 1488248 (VCV001488248.8), dbSNP rs1490142046, ClinGen allele CA382895277.